The following is an entry in ClinVar:

ClinVar aggregate classification (germline): Pathogenic/Likely pathogenic. Review status: criteria provided, multiple submitters, no conflicts (2 of 4 stars). 3 submissions from 3 submitters: Pathogenic (1); Likely pathogenic (1). 1 of the submissions does not count toward it. Last evaluated 2023-07-12.

Conditions:
Hypotrichosis-lymphedema-telangiectasia syndrome (HLTS). Identifiers: Orphanet 69735, MedGen C1843004, MONDO:0011914, OMIM 607823.

Submissions (3):

Labcorp Genetics (formerly Invitae), Labcorp
Classification: Likely pathogenic. Last evaluated: 2023-07-12. Review status: criteria provided, single submitter. Criteria: Invitae Variant Classification Sherloc (09022015). Collection method: clinical testing. Allele origin: germline.
Comment: ClinVar contains an entry for this variant (Variation ID: 162093). This premature translational stop signal has been observed in individual(s) with SOX18-related conditions (PMID: 26148450). In at least one individual the variant was observed to be de novo. This variant is not present in population databases (gnomAD no frequency). This sequence change creates a premature translational stop signal (p.Gln161*) in the SOX18 gene. While this is not anticipated to result in nonsense mediated decay, it is expected to disrupt the last 224 amino acid(s) of the SOX18 protein. Algorithms developed to predict the effect of variants on protein structure and function are not available or were not evaluated for this variant. In summary, the currently available evidence indicates that the variant is pathogenic, but additional data are needed to prove that conclusively. Therefore, this variant has been classified as Likely Pathogenic. Experimental studies are conflicting or provide insufficient evidence to determine the effect of this variant on SOX18 function (PMID: 31358114).

Andelfinger Lab, Centre de Recherche, CHU Sainte Justine
Classification: Pathogenic for Hypotrichosis-lymphedema-telangiectasia syndrome. Last evaluated: 2014-10-01. Review status: criteria provided, single submitter. Criteria: Submitter's publication. Collection method: research. Allele origin: germline. Inheritance: Autosomal dominant inheritance. Affected: yes.

OMIM
Classification: Pathogenic for HYPOTRICHOSIS-LYMPHEDEMA-TELANGIECTASIA SYNDROME. Last evaluated: 2018-06-14. Review status: no assertion criteria provided. Collection method: literature only. Allele origin: germline. Not counted in ClinVar's aggregate classification.

Literature cited by the submitters: PubMed 26148450 (cited by Labcorp Genetics (formerly Invitae), Labcorp); PubMed 31358114 (cited by Labcorp Genetics (formerly Invitae), Labcorp); PubMed 12740761 (cited by Andelfinger Lab, Centre de Recherche, CHU Sainte Justine); PubMed 24697860 (cited by Andelfinger Lab, Centre de Recherche, CHU Sainte Justine).

NM_018419.3(SOX18):c.481C>T (p.Gln161Ter)

Gene: SOX18 (SRY-box transcription factor 18; minus strand). Cytogenetic location: 20q13.33.
Variant type: single nucleotide variant.
Coding change: c.481C>T on transcript NM_018419.3 (MANE Select); coding-DNA position 481, C replaced by T.
Protein change: p.Gln161Ter; replaces glutamine 161 with a stop codon.
Molecular consequence: nonsense.
Genome position (GRCh38, 1-based): chr20:64,048,840, G>A on the plus strand (C>T on the coding strand, the complement: SOX18 is on the minus strand). VCF-style: chr20-64048840-G-A. GRCh37 (hg19) VCF-style: chr20-62680193-G-A.
Other names: short protein forms Q161*.
Identifiers: ClinVar variation 162093 (VCV000162093.6), dbSNP rs794728015, ClinGen allele CA203864.
Genomic context (GRCh38, chr20:64,048,840, plus strand): 5'-GCGGGGGCGCTAATCCCGGGAGCAGGAGGCCGGGCTCCAGCCGCCGGGCCTTGCGCGCCT[G>A]CTTCTTGCGGCGCGGCCGGTACTTGTAGTTGGGGTGGTCGCGCAAGTGCTGCACGCGCAG-3'